The following is an entry in ClinVar:

ClinVar aggregate classification (germline): Uncertain significance (1 of 4 stars; one submission).

Conditions:
Zellweger spectrum disorders (ZS). Also called: Zellweger syndrome; Zellweger Spectrum Disorder (ZSD); Zellweger Spectrum Disorder; Zellweger Spectrum. Identifiers: Orphanet 912, MedGen C0043459, MONDO:0019609.

Allele frequency attached by ClinVar (database versions not stated): gnomAD exomes below 0.00001.
gnomAD v4.1: 2 of 1,608,800 alleles (0.00012%); highest among the groups gnomAD compares: Non-Finnish European, 0.00017%; no homozygotes.

Submission:

Labcorp Genetics (formerly Invitae), Labcorp
Classification: Uncertain significance for Zellweger spectrum disorders. Last evaluated: 2021-08-31. Review status: criteria provided, single submitter. Criteria: Invitae Variant Classification Sherloc (09022015). Collection method: clinical testing. Allele origin: germline.
Comment: This sequence change replaces leucine with phenylalanine at codon 556 of the PEX1 protein (p.Leu556Phe). The leucine residue is moderately conserved and there is a small physicochemical difference between leucine and phenylalanine. This variant is not present in population databases (ExAC no frequency). This variant has not been reported in the literature in individuals affected with PEX1-related conditions. Algorithms developed to predict the effect of missense changes on protein structure and function are either unavailable or do not agree on the potential impact of this missense change (SIFT: "Tolerated"; PolyPhen-2: "Possibly Damaging"; Align-GVGD: "Class C0"). In summary, the available evidence is currently insufficient to determine the role of this variant in disease. Therefore, it has been classified as a Variant of Uncertain Significance.

NM_000466.3(PEX1):c.1668G>C (p.Leu556Phe)

Gene: PEX1 (peroxisomal biogenesis factor 1; minus strand). Cytogenetic location: 7q21.2.
Variant type: single nucleotide variant.
Coding change: c.1668G>C on transcript NM_000466.3 (MANE Select); coding-DNA position 1668, G replaced by C.
Protein change: p.Leu556Phe; replaces leucine 556 with phenylalanine.
Molecular consequence: missense variant.
Genome position (GRCh38, 1-based): chr7:92,509,331, C>G on the plus strand (G>C on the coding strand, the complement: PEX1 is on the minus strand). VCF-style: chr7-92509331-C-G. GRCh37 (hg19) VCF-style: chr7-92138645-C-G.
Other names: c.1668G>C, p.Leu556Phe (NM_001282677.2); c.1044G>C, p.Leu348Phe (NM_001282678.2); short protein forms L556F, L348F.
Identifiers: ClinVar variation 1362213 (VCV001362213.5), dbSNP rs1792345170, ClinGen allele CA368188214.
Genomic context (GRCh38, chr7:92,509,331, plus strand): 5'-CTGCCAGATATAGTGTTAAAAACATGTCTAACATGCTAGTTTGGCCATAACTTCTTACCC[C>G]AAAGAGCTCAGCTTTAAAAAAGGAAGAATAAAGTCAATTTCCTCACTGTTTTCTTCTTTT-3'
Protein context (NP_000457.1, residues 546-566): FILPFLKLSS[Leu556Phe]GGVNSLGVSS